The following is an entry in ClinVar:

NM_003001.5(SDHC):c.180-19T>C

Gene: SDHC (succinate dehydrogenase complex subunit C; plus strand). Cytogenetic location: 1q23.3.
Variant type: single nucleotide variant.
Coding change: c.180-19T>C on transcript NM_003001.5 (MANE Select); 19 bases into the intron before coding-DNA position 180, T replaced by C.
Molecular consequence: intron variant.
Genome position (GRCh38, 1-based): chr1:161,340,575, T>C. VCF-style: chr1-161340575-T-C. GRCh37 (hg19) VCF-style: chr1-161310365-T-C.
Other names: c.123-19T>C (NM_001407116.1, NM_001407121.1, NM_001407117.1); c.21-19T>C (NM_001035513.3); c.69-19T>C (NM_001407119.1, NM_001407120.1); c.300-19T>C (NM_001407115.1); c.180-19T>C (NM_001035511.3); c.78-19T>C (NM_001035512.3, NM_001278172.3, NM_001407118.1).
Identifiers: ClinVar variation 2151789 (VCV002151789.5), dbSNP rs2526444153, ClinGen allele CA2580061326.

ClinVar aggregate classification (germline): Likely benign. Review status: criteria provided, multiple submitters, no conflicts (2 of 4 stars). 2 submissions from 2 submitters: Likely benign (2). Last evaluated 2025-03-14.

Conditions:
Pheochromocytoma/paraganglioma syndrome 3. Also called: GLOMUS TUMORS, FAMILIAL, 3; SDHC-Related Hereditary Paraganglioma-Pheochromocytoma Syndrome (Paragangliomas 3); SDHC-Related Hereditary Paraganglioma-Pheochromocytoma Syndrome; Paragangliomas 3. Identifiers: Orphanet 29072, MedGen C1854336, MONDO:0011544, OMIM 605373.
Gastrointestinal stromal tumor. Also called: Gastrointestinal stroma tumor; Gastrointestinal stromal tumor, somatic. Identifiers: Orphanet 44890, MedGen C0238198, MeSH D046152, MONDO:0011719, OMIM 606764, HP:0100723.

Submissions (2):

Myriad Genetics, Inc.
Classification: Likely benign for Pheochromocytoma/paraganglioma syndrome 3. Last evaluated: 2025-03-14. Review status: criteria provided, single submitter. Criteria: Myriad Autosomal Dominant, Autosomal Recessive and X-Linked Classification Criteria (2023). Collection method: clinical testing. Allele origin: unknown.
Comment: This variant is considered likely benign. This variant is intronic and is not expected to impact mRNA splicing.

Labcorp Genetics (formerly Invitae), Labcorp
Classification: Likely benign for Pheochromocytoma/paraganglioma syndrome 3; Gastrointestinal stromal tumor. Last evaluated: 2024-08-15. Review status: criteria provided, single submitter. Criteria: Invitae Variant Classification Sherloc (09022015). Collection method: clinical testing. Allele origin: germline.